The following is an entry in ClinVar:

NM_001367721.1(CASK):c.2155+2T>C

Gene: CASK (calcium/calmodulin dependent serine protein kinase; minus strand). Cytogenetic location: Xp11.4.
Variant type: single nucleotide variant.
Coding change: c.2155+2T>C on transcript NM_001367721.1 (MANE Select); the canonical splice donor site of the intron after coding-DNA position 2155, T replaced by C.
Molecular consequence: splice donor variant.
Genome position (GRCh38, 1-based): chrX:41,542,689, A>G on the plus strand (T>C on the coding strand, the complement: CASK is on the minus strand). VCF-style: chrX-41542689-A-G. GRCh37 (hg19) VCF-style: chrX-41401942-A-G.
Other names: NC_000023.10:g.41401942A>G; c.2068+2T>C (NM_001126055.3); c.2137+2T>C (NM_001410745.1); c.2086+2T>C (NM_001126054.3); c.2155+2T>C (NM_003688.4).
Identifiers: ClinVar variation 451175 (VCV000451175.3), dbSNP rs1555977195, ClinGen allele CA412992191.

ClinVar aggregate classification (germline): Pathogenic (1 of 4 stars; one submission).

Submissions (2):

GeneDx
Classification: Pathogenic. Last evaluated: 2017-08-23. Review status: criteria provided, single submitter. Criteria: GeneDx Variant Classification (06012015). Collection method: clinical testing. Allele origin: germline. Affected: yes.
Comment: The c.2155+2 T>C splice site variant in the CASK gene destroys the canonical splice donor site in intron 22. It is predicted to cause abnormal gene splicing, either leading to an abnormal message that is subject to nonsense-mediated mRNA decay, or to an abnormal protein product if the message is used for protein translation. The c.2155+2 T>C variant is not observed in large population cohorts (Lek et al., 2016; 1000 Genomes Consortium et al., 2015; Exome Variant Server).

Dr. Peter K. Rogan Lab, Western University
No classification provided (evidence only). Condition: Thyroid cancer, nonmedullary, 1. Review status: no classification provided. Collection method: in vitro. Allele origin: not applicable. Functional consequence: retained intron. Not counted in ClinVar's aggregate classification.